The following is an entry in ClinVar:

NM_014946.4(SPAST):c.519A>G (p.Arg173=)

Gene: SPAST (spastin; plus strand). Cytogenetic location: 2p22.3.
Variant type: single nucleotide variant.
Coding change: c.519A>G on transcript NM_014946.4 (MANE Select); coding-DNA position 519, A replaced by G.
Protein change: p.Arg173=; no amino-acid change (arginine 173 retained).
Molecular consequence: synonymous variant.
Genome position (GRCh38, 1-based): chr2:32,089,538, A>G. VCF-style: chr2-32089538-A-G. GRCh37 (hg19) VCF-style: chr2-32314607-A-G.
Other names: c.516A>G, p.Arg172= (NM_001363823.2, NM_001363875.2); c.519A>G, p.Arg173= (NM_001377959.1, NM_199436.2).
Identifiers: ClinVar variation 931809 (VCV000931809.8), dbSNP rs1677627735, ClinGen allele CA425581413.

ClinVar aggregate classification (germline): Conflicting classifications of pathogenicity. Review status: criteria provided, conflicting classifications (1 of 4 stars). 2 submissions from 2 submitters: Uncertain significance (1); Likely benign (1). Last evaluated 2023-06-05.

Conditions:
Hereditary spastic paraplegia 4. Also called: Spastic Paraplegia 4; Familial spastic paraplegia autosomal dominant 2; Spastic paraplegia 4, autosomal dominant. Identifiers: Orphanet 100985, MedGen C1866855, MONDO:0008438, OMIM 182601.

Submissions (2):

Labcorp Genetics (formerly Invitae), Labcorp
Classification: Likely benign for Hereditary spastic paraplegia 4. Last evaluated: 2023-06-05. Review status: criteria provided, single submitter. Criteria: Invitae Variant Classification Sherloc (09022015). Collection method: clinical testing. Allele origin: germline.

Centre for Mendelian Genomics, University Medical Centre Ljubljana
Classification: Uncertain significance for Hereditary spastic paraplegia 4. Last evaluated: 2018-11-08. Review status: criteria provided, single submitter. Criteria: ACMG Guidelines, 2015. Collection method: clinical testing. Allele origin: unknown. Affected: yes.
Comment: This variant was classified as: Uncertain significance. The available evidence on this variant's pathogenicity is insufficient or conflicting. The following ACMG criteria were applied in classifying this variant: PM2,PP3.